The following is an entry in ClinVar:

NM_033380.3(COL4A5):c.4567C>A (p.Pro1523Thr)

Gene: COL4A5 (collagen type IV alpha 5 chain; plus strand). Cytogenetic location: Xq22.3.
Variant type: single nucleotide variant.
Coding change: c.4567C>A on transcript NM_033380.3 (MANE Select); coding-DNA position 4567, C replaced by A.
Protein change: p.Pro1523Thr; replaces proline 1523 with threonine.
Molecular consequence: missense variant.
Genome position (GRCh38, 1-based): chrX:108,692,786, C>A. VCF-style: chrX-108692786-C-A. GRCh37 (hg19) VCF-style: chrX-107936016-C-A.
Other names: c.4549C>A, p.Pro1517Thr (NM_000495.5); short protein forms P1517T, P1523T.
Identifiers: ClinVar variation 24749 (VCV000024749.14), dbSNP rs201220208, ClinGen allele CA259065.
Genomic context (GRCh38, chrX:108,692,786, plus strand): 5'-TTTTCTCTCCAAATCTTTCTAGGGACGGCTGGCAGCTGCCTTCGTCGCTTTAGTACCATG[C>A]CTTTCATGTTCTGCAACATCAATAATGTTTGCAACTTTGCTTCAAGAAATGACTATTCTT-3'
Protein context (NP_203699.1, residues 1513-1533): GSCLRRFSTM[Pro1523Thr]FMFCNINNVC

ClinVar aggregate classification (germline): Conflicting classifications of pathogenicity. Review status: criteria provided, conflicting classifications (1 of 4 stars). 4 submissions from 4 submitters: Uncertain significance (2); Benign (1); Likely benign (1). Last evaluated 2026-01-28.

Conditions:
COL4A5-related disorder. Also called: COL4A5-related condition.

Allele frequency attached by ClinVar (database versions not stated): gnomAD exomes 0.00012 and 0.00016; gnomAD 0.00014; TOPMed 0.00008; ExAC 0.00024.
gnomAD v4.1: 140 of 1,209,548 alleles (0.012%); highest among the groups gnomAD compares: Non-Finnish European, 0.011%; no homozygotes.

Submissions (4):

Labcorp Genetics (formerly Invitae), Labcorp
Classification: Benign. Last evaluated: 2026-01-28. Review status: criteria provided, single submitter. Criteria: Invitae Variant Classification Sherloc (09022015). Collection method: clinical testing. Allele origin: germline.

PreventionGenetics, part of Exact Sciences
Classification: Likely benign for COL4A5-related condition. Last evaluated: 2025-03-08. Review status: criteria provided, single submitter. Criteria: ACMG Guidelines, 2015. Collection method: clinical testing. Allele origin: germline.
Comment: This variant is classified as likely benign based on ACMG/AMP sequence variant interpretation guidelines (Richards et al. 2015 PMID: 25741868, with internal and published modifications).

Blueprint Genetics
Classification: Uncertain significance. Last evaluated: 2024-09-03. Review status: criteria provided, single submitter. Criteria: ACMG Guidelines, 2015. Collection method: clinical testing. Allele origin: germline.

Gharavi Laboratory, Columbia University
Classification: Uncertain significance. Last evaluated: 2018-09-16. Review status: criteria provided, single submitter. Criteria: ACMG Guidelines, 2015. Collection method: research. Allele origin: germline. Affected: no.